The following is an entry in ClinVar:

NM_001242957.3(MAK):c.553G>A (p.Ala185Thr)

Gene: MAK (male germ cell associated kinase; minus strand). Cytogenetic location: 6p24.2.
Variant type: single nucleotide variant.
Coding change: c.553G>A on transcript NM_001242957.3 (MANE Select); coding-DNA position 553, G replaced by A.
Protein change: p.Ala185Thr; replaces alanine 185 with threonine.
Molecular consequence: missense variant. On other transcripts: non-coding transcript variant (2).
Genome position (GRCh38, 1-based): chr6:10,803,830, C>T on the plus strand (G>A on the coding strand, the complement: MAK is on the minus strand). VCF-style: chr6-10803830-C-T. GRCh37 (hg19) VCF-style: chr6-10804063-C-T.
Other names: c.553G>A, p.Ala185Thr (NM_001242385.2, NM_005906.6); c.451G>A, p.Ala151Thr (NM_001377262.1); c.553G>A (NM_001242957.2); short protein forms A185T, A151T.
Identifiers: ClinVar variation 143123 (VCV000143123.16), dbSNP rs527236080, ClinGen allele CA270078.

ClinVar aggregate classification (germline): Conflicting classifications of pathogenicity. Review status: criteria provided, conflicting classifications (1 of 4 stars). 6 submissions from 6 submitters: Likely pathogenic (2); Uncertain significance (3). 1 of the submissions does not count toward it. Last evaluated 2024-12-04.

Conditions:
MAK-related disorder. Also called: MAK-related condition.
MAK-related disorders.
Retinal dystrophy. Also called: Inherited retinal dystrophy. Identifiers: Orphanet 71862, MedGen C0854723, MeSH D058499, MONDO:0019118, HP:0000556.
Retinitis pigmentosa (RP). Identifiers: Orphanet 791, MedGen C0035334, MeSH D012174, MONDO:0019200, OMIM 268000. Inheritance: Autosomal dominant, autosomal recessive and X linked inheritance.

Allele frequency attached by ClinVar (database versions not stated): TOPMed below 0.00001; gnomAD 0.00001; gnomAD exomes 0.00001 and 0.00002; ExAC 0.00002; 1000 Genomes Project 30x 0.00016; 1000 Genomes Project 0.00020.
gnomAD v4.1: 10 of 1,613,990 alleles (0.00062%); highest among the groups gnomAD compares: East Asian, 0.02%; no homozygotes.

Submissions (6):

Women's Health and Genetics/Laboratory Corporation of America, LabCorp
Classification: Uncertain significance. Last evaluated: 2024-12-04. Review status: criteria provided, single submitter. Criteria: LabCorp Variant Classification Summary - May 2015. Collection method: clinical testing. Allele origin: germline.
Comment: Variant summary: MAK c.553G>A (p.Ala185Thr) results in a non-conservative amino acid change located in the Protein kinase domain (IPR000719) of the encoded protein sequence. Four of five in-silico tools predict a damaging effect of the variant on protein function. The variant allele was found at a frequency of 8e-06 in 251440 control chromosomes. c.553G>A has been reported in the literature in compound heterozygous and homozygous individuals affected with Retinitis Pigmentosa (Xu_2014, Suga_2022). These data indicate that the variant may be associated with disease. To our knowledge, no experimental evidence demonstrating an impact on protein function has been reported. The following publications have been ascertained in the context of this evaluation (PMID: 31964843, 36284460, 24938718). ClinVar contains an entry for this variant (Variation ID: 143123). Based on the evidence outlined above, the variant was classified as VUS-possibly pathogenic.

PreventionGenetics, part of Exact Sciences
Classification: Uncertain significance for MAK-related condition. Last evaluated: 2024-10-28. Review status: criteria provided, single submitter. Criteria: ACMG Guidelines, 2015. Collection method: clinical testing. Allele origin: germline.
Comment: The MAK c.553G>A variant is predicted to result in the amino acid substitution p.Ala185Thr. This variant was reported in the homozygous state or along with a second causative variant in MAK in individuals with retinitis pigmentosa (Xu et al. 2014. PubMed ID: 24938718; Table S3, Suga et al. 2022. PubMed ID: 36284460). This variant is reported in 0.0062% of alleles in individuals of African descent in gnomAD. At this time, the clinical significance of this variant is uncertain due to the absence of conclusive functional and genetic evidence.

Dept Of Ophthalmology, Nagoya University
Classification: Likely pathogenic for Retinal dystrophy. Last evaluated: 2023-10-01. Review status: criteria provided, single submitter. Criteria: Submitter's publication. Collection method: research. Allele origin: germline. Affected: yes.

Labcorp Genetics (formerly Invitae), Labcorp
Classification: Uncertain significance. Last evaluated: 2023-08-04. Review status: criteria provided, single submitter. Criteria: Invitae Variant Classification Sherloc (09022015). Collection method: clinical testing. Allele origin: germline.
Comment: This sequence change replaces alanine, which is neutral and non-polar, with threonine, which is neutral and polar, at codon 185 of the MAK protein (p.Ala185Thr). This variant is present in population databases (rs527236080, gnomAD 0.007%). This missense change has been observed in individual(s) with retinitis pigmentosa (PMID: 24938718). ClinVar contains an entry for this variant (Variation ID: 143123). Advanced modeling of protein sequence and biophysical properties (such as structural, functional, and spatial information, amino acid conservation, physicochemical variation, residue mobility, and thermodynamic stability) performed at Invitae indicates that this missense variant is expected to disrupt MAK protein function. In summary, the available evidence is currently insufficient to determine the role of this variant in disease. Therefore, it has been classified as a Variant of Uncertain Significance.

Blueprint Genetics
Classification: Likely pathogenic for MAK-related disorders. Last evaluated: 2018-07-23. Review status: criteria provided, single submitter. Criteria: ACMG Guidelines, 2015. Collection method: clinical testing. Allele origin: germline. Affected: yes. Observed: 1 variant allele.

Department of Ophthalmology and Visual Sciences Kyoto University
Classification: Likely pathogenic for Retinitis pigmentosa. Review status: no assertion criteria provided. Collection method: not provided. Allele origin: unknown. Not counted in ClinVar's aggregate classification.
ClinVar note: Converted during submission from probable-pathogenic to Likely pathogenic.

Literature cited by the submitters: PubMed 24938718 (cited by Women's Health and Genetics/Laboratory Corporation of America, LabCorp and Labcorp Genetics (formerly Invitae), Labcorp); PubMed 31964843 (cited by Women's Health and Genetics/Laboratory Corporation of America, LabCorp); PubMed 36284460 (cited by Women's Health and Genetics/Laboratory Corporation of America, LabCorp).